The following is an entry in ClinVar:

NM_033124.5(DRC2):c.214G>T (p.Val72Phe)

Gene: DRC2 (dynein regulatory complex subunit 2; plus strand). Cytogenetic location: 12q13.12.
Variant type: single nucleotide variant.
Coding change: c.214G>T on transcript NM_033124.5 (MANE Select); coding-DNA position 214, G replaced by T.
Protein change: p.Val72Phe; replaces valine 72 with phenylalanine.
Molecular consequence: missense variant. On other transcripts: 5 prime UTR variant (1).
Genome position (GRCh38, 1-based): chr12:48,905,027, G>T. VCF-style: chr12-48905027-G-T. GRCh37 (hg19) VCF-style: chr12-49298810-G-T.
Other names: c.-216G>T (NM_001286957.2); short protein forms V72F.
Identifiers: ClinVar variation 474637 (VCV000474637.8), dbSNP rs1342625748, ClinGen allele CA384654149.

ClinVar aggregate classification (germline): Uncertain significance (1 of 4 stars; one submission).

Conditions:
Primary ciliary dyskinesia 27. Also called: CILIARY DYSKINESIA, PRIMARY, 27, WITHOUT SITUS INVERSUS. Identifiers: Orphanet 244, MedGen C3809701, MONDO:0014215, OMIM 615504.

Allele frequency attached by ClinVar (database versions not stated): TOPMed below 0.00001; gnomAD 0.00001.
gnomAD v4.1: 3 of 1,613,940 alleles (0.00019%); highest among the groups gnomAD compares: Non-Finnish European, 0.00025%; no homozygotes.

Submission:

Labcorp Genetics (formerly Invitae), Labcorp
Classification: Uncertain significance for Primary ciliary dyskinesia 27. Last evaluated: 2022-06-20. Review status: criteria provided, single submitter. Criteria: Invitae Variant Classification Sherloc (09022015). Collection method: clinical testing. Allele origin: germline.
Comment: In summary, the available evidence is currently insufficient to determine the role of this variant in disease. Therefore, it has been classified as a Variant of Uncertain Significance. Algorithms developed to predict the effect of missense changes on protein structure and function are either unavailable or do not agree on the potential impact of this missense change (SIFT: "Deleterious"; PolyPhen-2: "Benign"; Align-GVGD: "Class C0"). This sequence change replaces valine, which is neutral and non-polar, with phenylalanine, which is neutral and non-polar, at codon 72 of the CCDC65 protein (p.Val72Phe). This variant is not present in population databases (gnomAD no frequency). This variant has not been reported in the literature in individuals affected with CCDC65-related conditions. ClinVar contains an entry for this variant (Variation ID: 474637).